The following is an entry in ClinVar:

ClinVar aggregate classification (germline): Conflicting classifications of pathogenicity. Review status: criteria provided, conflicting classifications (1 of 4 stars). 12 submissions from 8 submitters: Uncertain significance (3); Benign (4); Likely benign (5). Last evaluated 2026-01-21.

Conditions:
Myopathy, myofibrillar, 9, with early respiratory failure (MFM9). Also called: MYOPATHY, PROXIMAL, WITH EARLY RESPIRATORY MUSCLE INVOLVEMENT; Hereditary myopathy with early respiratory failure; Myopathy, distal, with early respiratory failure, autosomal dominant; EDSTROM MYOPATHY. Identifiers: Orphanet 178464, Orphanet 34521, MedGen C1863599, MONDO:0011362, OMIM 603689.
Dilated cardiomyopathy 1G (CMD1G). Identifiers: Orphanet 154, MedGen C1858763, MONDO:0011400, OMIM 604145.
Cardiovascular phenotype. Identifiers: MedGen CN230736.
Early-onset myopathy with fatal cardiomyopathy (CMYO5). Also called: Salih Myopathy; CONGENITAL MYOPATHY 5 WITH CARDIOMYOPATHY. Identifiers: Orphanet 289377, MedGen C2673677, MONDO:0012714, OMIM 611705. Disease mechanism: loss of function.
Autosomal recessive limb-girdle muscular dystrophy type 2J (LGMDR10). Also called: Limb-girdle muscular dystrophy, type 2J; MUSCULAR DYSTROPHY, LIMB-GIRDLE, AUTOSOMAL RECESSIVE 10. Identifiers: Orphanet 140922, MedGen C1837342, MONDO:0012127, OMIM 608807.
TTN-related disorder. Also called: TTN-related disorders; TTN-related condition; TTN-related disease.
Tibial muscular dystrophy (TMD). Also called: UDD MYOPATHY; Tibial muscular dystrophy, tardive; Udd Distal Myopathy – Tibial Muscular Dystrophy. Identifiers: Orphanet 609, MedGen C1838244, MONDO:0010870, OMIM 600334.

Allele frequency attached by ClinVar (database versions not stated): gnomAD exomes 0.00002 and 0.00006; ExAC 0.00007; ESP Exome Variant Server 0.00008; gnomAD 0.00009 and 0.00011; TOPMed 0.00010.
gnomAD v4.1: 40 of 1,613,712 alleles (0.0025%); highest among the groups gnomAD compares: African/African-American, 0.029%; 1 homozygote.

Submissions (12):

Labcorp Genetics (formerly Invitae), Labcorp
Classification: Likely benign for Dilated cardiomyopathy 1G; Autosomal recessive limb-girdle muscular dystrophy type 2J. Last evaluated: 2026-01-21. Review status: criteria provided, single submitter. Criteria: Invitae Variant Classification Sherloc (09022015). Collection method: clinical testing. Allele origin: germline.

Women's Health and Genetics/Laboratory Corporation of America, LabCorp
Classification: Likely benign. Last evaluated: 2025-07-24. Review status: criteria provided, single submitter. Criteria: LabCorp Variant Classification Summary - May 2015. Collection method: clinical testing. Allele origin: germline.

PreventionGenetics, part of Exact Sciences
Classification: Likely benign for TTN-related condition. Last evaluated: 2025-05-01. Review status: criteria provided, single submitter. Criteria: ACMG Guidelines, 2015. Collection method: clinical testing. Allele origin: germline.
Comment: This variant is classified as likely benign based on ACMG/AMP sequence variant interpretation guidelines (Richards et al. 2015 PMID: 25741868, with internal and published modifications).

Blueprint Genetics
Classification: Likely benign. Last evaluated: 2024-03-26. Review status: criteria provided, single submitter. Criteria: ACMG Guidelines, 2015. Collection method: clinical testing. Allele origin: germline.

Athena Diagnostics
Classification: Benign. Last evaluated: 2020-11-12. Review status: criteria provided, single submitter. Criteria: Athena Diagnostics criteria. Collection method: clinical testing. Allele origin: unknown.

Ambry Genetics
Classification: Likely benign for Cardiovascular phenotype. Last evaluated: 2019-06-20. Review status: criteria provided, single submitter. Criteria: Ambry Variant Classification Scheme 2023. Collection method: clinical testing. Allele origin: germline.

Illumina Laboratory Services, Illumina
Classification: Benign for Tibial muscular dystrophy. Last evaluated: 2018-01-13. Review status: criteria provided, single submitter. Criteria: ICSL Variant Classification Criteria 13 December 2019. Collection method: clinical testing. Allele origin: germline.
Comment: This variant was observed in the ICSL laboratory as part of a predisposition screen in an ostensibly healthy population. It had not been previously curated by ICSL or reported in the Human Gene Mutation Database (HGMD: prior to June 1st, 2018), and was therefore a candidate for classification through an automated scoring system. Utilizing variant allele frequency, disease prevalence and penetrance estimates, and inheritance mode, an automated score was calculated to assess if this variant is too frequent to cause the disease. Based on the score and internal cut-off values, a variant classified as benign is not then subjected to further curation. The score for this variant resulted in a classification of benign for this disease.

Illumina Laboratory Services, Illumina
Classification: Uncertain significance for Autosomal recessive limb-girdle muscular dystrophy type 2J. Last evaluated: 2018-01-13. Review status: criteria provided, single submitter. Criteria: ICSL Variant Classification Criteria 13 December 2019. Collection method: clinical testing. Allele origin: germline.

Illumina Laboratory Services, Illumina
Classification: Uncertain significance for Early-onset myopathy with fatal cardiomyopathy. Last evaluated: 2018-01-13. Review status: criteria provided, single submitter. Criteria: ICSL Variant Classification Criteria 13 December 2019. Collection method: clinical testing. Allele origin: germline.

Illumina Laboratory Services, Illumina
Classification: Uncertain significance for Dilated cardiomyopathy 1G. Last evaluated: 2018-01-13. Review status: criteria provided, single submitter. Criteria: ICSL Variant Classification Criteria 13 December 2019. Collection method: clinical testing. Allele origin: germline.

Illumina Laboratory Services, Illumina
Classification: Benign for Myopathy, myofibrillar, 9, with early respiratory failure. Last evaluated: 2018-01-13. Review status: criteria provided, single submitter. Criteria: ICSL Variant Classification Criteria 13 December 2019. Collection method: clinical testing. Allele origin: germline.
Comment: the same text as in the submission from Illumina Laboratory Services, Illumina above.

GeneDx
Classification: Benign. Last evaluated: 2015-09-22. Review status: criteria provided, single submitter. Criteria: GeneDx Variant Classification (06012015). Collection method: clinical testing. Allele origin: germline. Affected: yes.
Comment: This variant is considered likely benign or benign based on one or more of the following criteria: it is a conservative change, it occurs at a poorly conserved position in the protein, it is predicted to be benign by multiple in silico algorithms, and/or has population frequency not consistent with disease.

NM_001267550.2(TTN):c.4668G>A (p.Pro1556=)

Genes: TTN (titin; minus strand), LOC101927055 (uncharacterized LOC101927055; plus strand). Cytogenetic location: 2q31.2.
Variant type: single nucleotide variant.
Coding change: c.4668G>A on transcript NM_001267550.2 (MANE Select); coding-DNA position 4668, G replaced by A.
Protein change: p.Pro1556=; no amino-acid change (proline 1556 retained).
Molecular consequence: synonymous variant. On other transcripts: non-coding transcript variant (1).
Genome position (GRCh38, 1-based): chr2:178,777,295, C>T on the plus strand (G>A on the coding strand, the complement: TTN is on the minus strand). VCF-style: chr2-178777295-C-T. GRCh37 (hg19) VCF-style: chr2-179642022-C-T.
Other names: c.4668G>A (NM_001267550.1); c.4530G>A, p.Pro1510= (NM_003319.4, NM_133432.3, NM_133437.4); c.4668G>A, p.Pro1556= (NM_133379.5, NM_001256850.1, NM_133378.4).
Identifiers: ClinVar variation 332956 (VCV000332956.20), dbSNP rs145709534, ClinGen allele CA2005281.